The following is an entry in ClinVar:

ClinVar aggregate classification (germline): Uncertain significance (1 of 4 stars; one submission).

Submission:

Women's Health and Genetics/Laboratory Corporation of America, LabCorp
Classification: Uncertain significance. Last evaluated: 2025-04-28. Review status: criteria provided, single submitter. Criteria: LabCorp Variant Classification Summary - May 2015. Collection method: clinical testing. Allele origin: germline.
Comment: Variant summary: PKD1 c.8016+3_8016+7delAGGAT alters non-conserved nucleotides located close to a canonical splice site and therefore could affect mRNA splicing, leading to a significantly altered protein sequence. Several computational tools predict a significant impact on normal splicing: Two predict the variant abolishes the canonical 5' splicing donor site. One predict the variant weakens the canonical 5' donor site. One predict the variant strengthens a cryptic 5' donor site. However, these predictions have yet to be confirmed by functional studies. The variant was absent in 226520 control chromosomes. The available data on variant occurrences in the general population are insufficient to allow any conclusion about variant significance. To our knowledge, no occurrence of c.8016+3_8016+7delAGGAT in individuals affected with PKD1-Biallelic Autosomal Recessive Polycystic Kidney Disease and no experimental evidence demonstrating its impact on protein function have been reported. No submitters have cited clinical-significance assessments for this variant to ClinVar. Based on the evidence outlined above, the variant was classified as uncertain significance.

NM_001009944.3(PKD1):c.8016+3_8016+7del

Gene: PKD1 (polycystin 1, transient receptor potential channel interacting; minus strand). Cytogenetic location: 16p13.3.
Variant type: Deletion.
Coding change: c.8016+3_8016+7del on transcript NM_001009944.3 (MANE Select); bases 3 to 7 of the intron after coding-DNA position 8016, 5 bases deleted (AGGAT; older notation c.8016+3_8016+7delAGGAT).
Molecular consequence: splice donor variant.
Genome position (GRCh38, 1-based): chr16:2,105,315-2,105,319, ATCCT deleted on the plus strand (AGGAT on the coding strand, the reverse complement: PKD1 is on the minus strand); deleting any 5 consecutive bases within chr16:2,105,315-2,105,320 gives the same sequence; the c. name uses the placement nearest the transcript's 3' end. VCF-style (leftmost placement, unchanged base first): chr16-2105314-CATCCT-C. GRCh37 (hg19) VCF-style: chr16-2155315-CATCCT-C.
Other names: c.8016+3_8016+7del (NM_000296.4); c.8016+3_8016+7delAGGAT (NM_001009944.3).
Identifiers: ClinVar variation 3896612 (VCV003896612.2).